The following is an entry in ClinVar:

NM_000293.3(PHKB):c.2427+965A>C

Gene: PHKB (phosphorylase kinase regulatory subunit beta; plus strand). Cytogenetic location: 16q12.1.
Variant type: single nucleotide variant.
Coding change: c.2427+965A>C on transcript NM_000293.3 (MANE Select); 965 bases into the intron after coding-DNA position 2427, A replaced by C.
Molecular consequence: intron variant. On other transcripts: splice acceptor variant (2).
Genome position (GRCh38, 1-based): chr16:47,665,940, A>C. VCF-style: chr16-47665940-A-C. GRCh37 (hg19) VCF-style: chr16-47699851-A-C.
Other names: c.2337-2A>C (NM_001363837.1); c.2316-2A>C (NM_001031835.3).
Identifiers: ClinVar variation 1424135 (VCV001424135.8), dbSNP rs761645932, ClinGen allele CA8041213.

ClinVar aggregate classification (germline): Pathogenic/Likely pathogenic. Review status: criteria provided, multiple submitters, no conflicts (2 of 4 stars). 3 submissions from 3 submitters: Pathogenic (1); Likely pathogenic (2). Last evaluated 2026-01-13.

Conditions:
Glycogen phosphorylase kinase deficiency. Also called: Phosphorylase Kinase Deficiency; Glycogen Storage Disease Type IX. Identifiers: Orphanet 370, MedGen C0268147, MONDO:0700291.
Glycogen storage disease IXb (GSD9B). Also called: GLYCOGENOSIS OF LIVER AND MUSCLE, AUTOSOMAL RECESSIVE; GSD IXb; PHOSPHORYLASE KINASE DEFICIENCY OF LIVER AND MUSCLE, AUTOSOMAL RECESSIVE. Identifiers: Orphanet 79240, MedGen C0543514, MONDO:0009868, OMIM 261750.
PHKB-related disorder. Also called: PHKB-related condition.

Allele frequency attached by ClinVar (database versions not stated): ExAC 0.00001; gnomAD exomes 0.00001; TOPMed 0.00003; gnomAD 0.00004 and 0.00005.
gnomAD v4.1: 105 of 1,610,982 alleles (0.0065%); highest among the groups gnomAD compares: Non-Finnish European, 0.0086%; no homozygotes.

Submissions (3):

Labcorp Genetics (formerly Invitae), Labcorp
Classification: Pathogenic for Glycogen storage disease IXb. Last evaluated: 2026-01-13. Review status: criteria provided, single submitter. Criteria: Invitae Variant Classification Sherloc (09022015). Collection method: clinical testing. Allele origin: germline.
Comment: The PHKB gene has multiple clinically relevant transcripts. This variant occurs in alternate transcript NM_001031835.2, and corresponds to NM_000293.2:c.2336+965A>C in the primary transcript. This sequence change affects an acceptor splice site in intron 25 of the PHKB gene. It is expected to disrupt RNA splicing. Variants that disrupt the donor or acceptor splice site typically lead to a loss of protein function (PMID: 16199547), and loss-of-function variants in PHKB are known to be pathogenic (PMID: 9215682, 9326319). This variant is present in population databases (rs761645932, gnomAD 0.002%). Disruption of this splice site has been observed in individuals with glycogen storage disease (PMID: 17689125, 26526422). It has also been observed to segregate with disease in related individuals. ClinVar contains an entry for this variant (Variation ID: 1424135). Algorithms developed to predict the effect of sequence changes on RNA splicing suggest that this variant may create or strengthen a splice site. For these reasons, this variant has been classified as Pathogenic.

Blueprint Genetics
Classification: Likely pathogenic for PHKB-related disorders. Last evaluated: 2024-07-10. Review status: criteria provided, single submitter. Criteria: ACMG Guidelines, 2015. Collection method: clinical testing. Allele origin: germline. Affected: yes. Observed: 5 variant alleles.

Women's Health and Genetics/Laboratory Corporation of America, LabCorp
Classification: Likely pathogenic for Glycogen phosphorylase kinase deficiency. Last evaluated: 2022-12-27. Review status: criteria provided, single submitter. Criteria: LabCorp Variant Classification Summary - May 2015. Collection method: clinical testing. Allele origin: germline.
Comment: Variant summary: PHKB c.2427+965A>C is located at a deep intronic position in NM_000293.2, not widely known to affect splicing. However, in a different transcript (NM_001031835.2) this variant (c.2316-2A>C) is located close to a canonical splice site, and several computational tools predict a significant impact on normal splicing: four predict the variant abolishes a 3' acceptor site. However, these predictions have yet to be confirmed by functional studies. The variant allele was found at a frequency of 8e-06 in 249352 control chromosomes (gnomAD). The available data on variant occurrences in the general population are insufficient to allow any conclusion about variant significance. The variant, c.2427+965A>C, has been reported in the literature in multiple compound heterozygous individuals affected with Glycogen Phosphorylase Kinase Deficiency (Beauchamp_2007, Hoogeveen_2016). These data indicate that the variant is likely associated with disease. To our knowledge, no experimental evidence demonstrating an impact on protein function has been reported. One clinical diagnostic laboratory has submitted clinical-significance assessments for this variant to ClinVar after 2014, and classified the variant as pathogenic. Based on the evidence outlined above, the variant was classified as likely pathogenic.

Literature cited by the submitters: PubMed 16199547 (cited by Labcorp Genetics (formerly Invitae), Labcorp); PubMed 9215682 (cited by Labcorp Genetics (formerly Invitae), Labcorp); PubMed 9326319 (cited by Labcorp Genetics (formerly Invitae), Labcorp); PubMed 17689125 (cited by Labcorp Genetics (formerly Invitae), Labcorp and Women's Health and Genetics/Laboratory Corporation of America, LabCorp); PubMed 26526422 (cited by Labcorp Genetics (formerly Invitae), Labcorp and Women's Health and Genetics/Laboratory Corporation of America, LabCorp).